The following is an entry in ClinVar:

NC_000005.9:g.(?_45396574)_(45696215_?)dup

Gene: HCN1 (hyperpolarization activated cyclic nucleotide gated potassium channel 1; minus strand). Cytogenetic location: 5p12.
Variant type: Duplication.
Identifiers: ClinVar variation 461207 (VCV000461207.3).

ClinVar aggregate classification (germline): Uncertain significance (1 of 4 stars; one submission).

Conditions:
Developmental and epileptic encephalopathy. Identifiers: MedGen C5779964, MONDO:0100620.

Submission:

Labcorp Genetics (formerly Invitae), Labcorp
Classification: Uncertain significance for Early infantile epileptic encephalopathy with suppression bursts. Last evaluated: 2019-06-27. Review status: criteria provided, single submitter. Criteria: Invitae Variant Classification Sherloc (09022015). Collection method: clinical testing. Allele origin: germline.
Comment: This variant is a gross duplication of the genomic region encompassing exons 1-4 of the HCN1 gene. The 5' end of this event is unknown as it extends beyond the assayed region for this gene and therefore may encompass additional genes. The 3' boundary is likely confined to intron 4 of the HCN1 gene. This variant has not been reported in the literature in individuals with a HCN1-related disease. To date, only missense variants in HCN1 have been reported in individuals affected with epilepsy. In summary, this is a novel duplication with an uncertain impact on protein function. Therefore, it has been classified as a Variant of Uncertain Significance.